The following is an entry in ClinVar:

NM_003791.4(MBTPS1):c.1206C>T (p.Gly402=)

Gene: MBTPS1 (membrane bound transcription factor peptidase, site 1; minus strand). Cytogenetic location: 16q23.3.
Variant type: single nucleotide variant.
Coding change: c.1206C>T on transcript NM_003791.4 (MANE Select); coding-DNA position 1206, C replaced by T.
Protein change: p.Gly402=; no amino-acid change (glycine 402 retained).
Molecular consequence: synonymous variant.
Genome position (GRCh38, 1-based): chr16:84,085,063, G>A on the plus strand (C>T on the coding strand, the complement: MBTPS1 is on the minus strand). VCF-style: chr16-84085063-G-A. GRCh37 (hg19) VCF-style: chr16-84118668-G-A.
Identifiers: ClinVar variation 2187251 (VCV002187251.4), dbSNP rs570692686, ClinGen allele CA8201413.

ClinVar aggregate classification (germline): Uncertain significance (1 of 4 stars; one submission).

Allele frequency attached by ClinVar (database versions not stated): gnomAD exomes 0.00001; ExAC 0.00002; TOPMed 0.00004; gnomAD 0.00005; 1000 Genomes Project 0.00040; 1000 Genomes Project 30x 0.00078.
gnomAD v4.1: 27 of 1,614,066 alleles (0.0017%); highest among the groups gnomAD compares: African/African-American, 0.015%; no homozygotes.

Submission:

Labcorp Genetics (formerly Invitae), Labcorp
Classification: Uncertain significance. Last evaluated: 2023-05-23. Review status: criteria provided, single submitter. Criteria: Invitae Variant Classification Sherloc (09022015). Collection method: clinical testing. Allele origin: germline.
Comment: In summary, the available evidence is currently insufficient to determine the role of this variant in disease. Therefore, it has been classified as a Variant of Uncertain Significance. Algorithms developed to predict the effect of sequence changes on RNA splicing suggest that this variant may disrupt the consensus splice site. ClinVar contains an entry for this variant (Variation ID: 2187251). This variant has not been reported in the literature in individuals affected with MBTPS1-related conditions. This variant is present in population databases (rs570692686, gnomAD 0.02%). This sequence change affects codon 402 of the MBTPS1 mRNA. It is a 'silent' change, meaning that it does not change the encoded amino acid sequence of the MBTPS1 protein.